The following is an entry in ClinVar:

ClinVar aggregate classification (germline): Uncertain significance (1 of 4 stars; one submission).

Allele frequency attached by ClinVar (database versions not stated): TOPMed below 0.00001.
gnomAD v4.1: 1 of 1,613,018 alleles (0.000062%); highest among the groups gnomAD compares: Non-Finnish European, 0.000085%; no homozygotes.

Submission:

Labcorp Genetics (formerly Invitae), Labcorp
Classification: Uncertain significance. Last evaluated: 2023-08-10. Review status: criteria provided, single submitter. Criteria: Invitae Variant Classification Sherloc (09022015). Collection method: clinical testing. Allele origin: germline.
Comment: This sequence change replaces valine, which is neutral and non-polar, with leucine, which is neutral and non-polar, at codon 347 of the RBP3 protein (p.Val347Leu). This variant is not present in population databases (gnomAD no frequency). This variant has not been reported in the literature in individuals affected with RBP3-related conditions. ClinVar contains an entry for this variant (Variation ID: 1365308). In summary, the available evidence is currently insufficient to determine the role of this variant in disease. Therefore, it has been classified as a Variant of Uncertain Significance. An algorithm developed to predict the effect of missense changes on protein structure and function (PolyPhen-2) suggests that this variant is likely to be disruptive.

NM_002900.3(RBP3):c.1039G>T (p.Val347Leu)

Gene: RBP3 (retinol binding protein 3; plus strand). Cytogenetic location: 10q11.22.
Variant type: single nucleotide variant.
Coding change: c.1039G>T on transcript NM_002900.3 (MANE Select); coding-DNA position 1039, G replaced by T.
Protein change: p.Val347Leu; replaces valine 347 with leucine.
Molecular consequence: missense variant.
Genome position (GRCh38, 1-based): chr10:47,349,523, G>T. VCF-style: chr10-47349523-G-T. GRCh37 (hg19) VCF-style: chr10-48389839-C-A.
Other names: short protein forms V347L.
Identifiers: ClinVar variation 1365308 (VCV001365308.8), dbSNP rs1836918853, ClinGen allele CA376667692.